The following is an entry in ClinVar:

NM_177438.3(DICER1):c.3405A>G (p.Gln1135=)

Gene: DICER1 (dicer 1, ribonuclease III; minus strand). Cytogenetic location: 14q32.13.
Variant type: single nucleotide variant.
Coding change: c.3405A>G on transcript NM_177438.3 (MANE Select); coding-DNA position 3405, A replaced by G.
Protein change: p.Gln1135=; no amino-acid change (glutamine 1135 retained).
Molecular consequence: synonymous variant.
Genome position (GRCh38, 1-based): chr14:95,103,991, T>C on the plus strand (A>G on the coding strand, the complement: DICER1 is on the minus strand). VCF-style: chr14-95103991-T-C. GRCh37 (hg19) VCF-style: chr14-95570328-T-C.
Other names: c.3405A>G, p.Gln1135= (NM_001195573.1, NM_001271282.3, NM_001291628.2 and 1 more transcripts).
Identifiers: ClinVar variation 483430 (VCV000483430.17), dbSNP rs1555369669, ClinGen allele CA487844596.

ClinVar aggregate classification (germline): Benign/Likely benign. Review status: criteria provided, multiple submitters, no conflicts (2 of 4 stars). 3 submissions from 3 submitters: Benign (1); Likely benign (2). Last evaluated 2026-04-17.

Conditions:
Hereditary cancer-predisposing syndrome. Also called: Hereditary neoplastic syndrome; Neoplastic Syndromes, Hereditary; Hereditary Cancer Syndrome; Tumor predisposition. Identifiers: Orphanet 140162, MedGen C0027672, MeSH D009386, MONDO:0015356.
DICER1-related tumor predisposition. Also called: DICER1-related pleuropulmonary blastoma cancer predisposition syndrome; DICER1 syndrome. Identifiers: Orphanet 284343, MedGen C3839822, MONDO:0100216.

Allele frequency attached by ClinVar (database versions not stated): gnomAD exomes below 0.00001.
gnomAD v4.1: 2 of 1,614,220 alleles (0.00012%); highest among the groups gnomAD compares: Non-Finnish European, 0.00017%; no homozygotes.

Submissions (3):

Myriad Genetics, Inc.
Classification: Benign for DICER1-related tumor predisposition. Last evaluated: 2026-04-17. Review status: criteria provided, single submitter. Criteria: Myriad Autosomal Dominant, Autosomal Recessive and X-Linked Classification Criteria (2023). Collection method: clinical testing. Allele origin: unknown.
Comment: This variant is considered benign. This variant is a silent/synonymous amino acid change and it is not expected to impact splicing.

Labcorp Genetics (formerly Invitae), Labcorp
Classification: Likely benign for DICER1-related tumor predisposition. Last evaluated: 2026-01-26. Review status: criteria provided, single submitter. Criteria: Invitae Variant Classification Sherloc (09022015). Collection method: clinical testing. Allele origin: germline.

Ambry Genetics
Classification: Likely benign for Hereditary cancer-predisposing syndrome. Last evaluated: 2017-04-19. Review status: criteria provided, single submitter. Criteria: Ambry Variant Classification Scheme 2023. Collection method: clinical testing. Allele origin: germline.